The following is an entry in ClinVar:

NM_001127208.3(TET2):c.2860T>G (p.Trp954Gly)

Genes: TET2 (tet methylcytosine dioxygenase 2; plus strand), TET2-AS1 (TET2 antisense RNA 1; minus strand). Cytogenetic location: 4q24.
Variant type: single nucleotide variant.
Coding change: c.2860T>G on transcript NM_001127208.3 (MANE Select); coding-DNA position 2860, T replaced by G.
Protein change: p.Trp954Gly; replaces tryptophan 954 with glycine.
Molecular consequence: missense variant.
Genome position (GRCh38, 1-based): chr4:105,236,802, T>G. VCF-style: chr4-105236802-T-G. GRCh37 (hg19) VCF-style: chr4-106157959-T-G.
Other names: c.2860T>G, p.Trp954Gly (NM_017628.4); short protein forms W954G.
Identifiers: ClinVar variation 5030693 (VCV005030693.1).
Genomic context (GRCh38, chr4:105,236,802, plus strand): 5'-GGAGGAAGTCACACTCAGACCCCTCCCCAGAAGGACACTCAAAAGCATGCTGCTCTAAGG[T>G]GGCATCTCTTACAGAAGCAAGAACAGCAGCAAACACAGCAACCCCAAACTGAGTCTTGCC-3'
Protein context (NP_001120680.1, residues 944-964): KDTQKHAALR[Trp954Gly]HLLQKQEQQQ

ClinVar aggregate classification (germline): Uncertain significance (1 of 4 stars; one submission).

gnomAD v4.1: 3 of 1,614,090 alleles (0.00019%); highest among the groups gnomAD compares: Non-Finnish European, 0.00025%; no homozygotes.

Submission:

Ambry Genetics
Classification: Uncertain significance. Last evaluated: 2026-07-02. Review status: criteria provided, single submitter. Criteria: Ambry Variant Classification Scheme 2023. Collection method: clinical testing. Allele origin: germline.
Comment: The p.W954G variant (also known as c.2860T>G), located in coding exon 1 of the TET2 gene, results from a T to G substitution at nucleotide position 2860. The tryptophan at codon 954 is replaced by glycine, an amino acid with highly dissimilar properties. This amino acid position is conserved. In addition, the in silico prediction for this alteration is inconclusive. Based on the available evidence, the clinical significance of this variant remains unclear.